The following is an entry in ClinVar:

NM_004360.5(CDH1):c.31del (p.Leu11fs)

Gene: CDH1 (cadherin 1; plus strand). Cytogenetic location: 16q22.1.
Variant type: Deletion.
Coding change: c.31del on transcript NM_004360.5 (MANE Select); coding-DNA position 31, one base deleted (C; older notation c.31delC).
Protein change: p.Leu11fs; shifts the reading frame from leucine 11.
Molecular consequence: frameshift variant. On other transcripts: 5 prime UTR variant (2).
Genome position (GRCh38, 1-based): chr16:68,737,446, C deleted. VCF-style (leftmost placement, unchanged base first): chr16-68737445-GC-G. GRCh37 (hg19) VCF-style: chr16-68771348-GC-G.
Other names: c.31del (NM_004360.4); c.31del, p.Leu11fs (NM_001317184.2); c.-1585del (NM_001317185.2); c.-1789del (NM_001317186.2); short protein forms L11fs.
Identifiers: ClinVar variation 1459167 (VCV001459167.6), dbSNP rs2152113974, ClinGen allele CA2573152573.

ClinVar aggregate classification (germline): Pathogenic. Review status: criteria provided, multiple submitters, no conflicts (2 of 4 stars). 2 submissions from 2 submitters: Pathogenic (2). Last evaluated 2022-08-01.

Conditions:
Hereditary diffuse gastric adenocarcinoma (HDGC). Also called: DIFFUSE GASTRIC AND LOBULAR BREAST CANCER SYNDROME. Identifiers: Orphanet 26106, MedGen C1708349, MONDO:0007648, OMIM 137215.

Submissions (2):

European Reference Network on Genetic Tumour Risk Syndromes (ERN-GENTURIS), i3s - Instituto de Investigação e Inovação em Saúde, University of Porto
Classification: Pathogenic for Hereditary diffuse gastric adenocarcinoma. Last evaluated: 2022-08-01. Review status: criteria provided, single submitter. Criteria: Lee et al. (Hum Mutat. 2018). Collection method: clinical testing. Allele origin: germline. Inheritance: Autosomal dominant inheritance. Affected: yes. Study: ERN GENTURIS.
Comment: PVS1; PS4_Supporting; PM2 (PMID: 30311375)

Labcorp Genetics (formerly Invitae), Labcorp
Classification: Pathogenic for Hereditary diffuse gastric adenocarcinoma. Last evaluated: 2021-03-13. Review status: criteria provided, single submitter. Criteria: Invitae Variant Classification Sherloc (09022015). Collection method: clinical testing. Allele origin: germline.
Comment: For these reasons, this variant has been classified as Pathogenic. This variant has not been reported in the literature in individuals with CDH1-related conditions. The frequency data for this variant in the population databases is considered unreliable, as metrics indicate insufficient coverage at this position in the ExAC database. This sequence change creates a premature translational stop signal (p.Leu11Cysfs*45) in the CDH1 gene. It is expected to result in an absent or disrupted protein product. Loss-of-function variants in CDH1 are known to be pathogenic (PMID: 15235021, 20373070).

Literature cited by the submitters: PubMed 36436516 (cited by European Reference Network on Genetic Tumour Risk Syndromes (ERN-GENTURIS), i3s - Instituto de Investigação e Inovação em Saúde, University of Porto); PubMed 15235021 (cited by Labcorp Genetics (formerly Invitae), Labcorp); PubMed 20373070 (cited by Labcorp Genetics (formerly Invitae), Labcorp).